The following is an entry in ClinVar:

NM_017617.5(NOTCH1):c.2019C>A (p.Ser673Arg)

Gene: NOTCH1 (notch receptor 1; minus strand). Cytogenetic location: 9q34.3.
Variant type: single nucleotide variant.
Coding change: c.2019C>A on transcript NM_017617.5 (MANE Select); coding-DNA position 2019, C replaced by A.
Protein change: p.Ser673Arg; replaces serine 673 with arginine.
Molecular consequence: missense variant.
Genome position (GRCh38, 1-based): chr9:136,514,698, G>T on the plus strand (C>A on the coding strand, the complement: NOTCH1 is on the minus strand). VCF-style: chr9-136514698-G-T. GRCh37 (hg19) VCF-style: chr9-139409150-G-T.
Other names: short protein forms S673R.
Identifiers: ClinVar variation 3662413 (VCV003662413.2).

ClinVar aggregate classification (germline): Uncertain significance (1 of 4 stars; one submission).

Conditions:
Adams-Oliver syndrome 5 (AOS5). Identifiers: Orphanet 974, MedGen C4014970, MONDO:0014459, OMIM 616028.

gnomAD v4.1: 1 of 1,612,188 alleles (0.000062%); highest among the groups gnomAD compares: Non-Finnish European, 0.000085%; no homozygotes.

Submission:

Labcorp Genetics (formerly Invitae), Labcorp
Classification: Uncertain significance for Adams-Oliver syndrome 5. Last evaluated: 2024-08-16. Review status: criteria provided, single submitter. Criteria: Invitae Variant Classification Sherloc (09022015). Collection method: clinical testing. Allele origin: germline.
Comment: This sequence change replaces serine, which is neutral and polar, with arginine, which is basic and polar, at codon 673 of the NOTCH1 protein (p.Ser673Arg). This variant is not present in population databases (gnomAD no frequency). This variant has not been reported in the literature in individuals affected with NOTCH1-related conditions. Invitae Evidence Modeling of protein sequence and biophysical properties (such as structural, functional, and spatial information, amino acid conservation, physicochemical variation, residue mobility, and thermodynamic stability) indicates that this missense variant is not expected to disrupt NOTCH1 protein function with a negative predictive value of 80%. In summary, the available evidence is currently insufficient to determine the role of this variant in disease. Therefore, it has been classified as a Variant of Uncertain Significance.